The following is an entry in ClinVar:

NM_004415.4(DSP):c.5110G>A (p.Glu1704Lys)

Gene: DSP (desmoplakin; plus strand). Cytogenetic location: 6p24.3.
Variant type: single nucleotide variant.
Coding change: c.5110G>A on transcript NM_004415.4 (MANE Select); coding-DNA position 5110, G replaced by A.
Protein change: p.Glu1704Lys; replaces glutamic acid 1704 with lysine.
Molecular consequence: missense variant. On other transcripts: intron variant (2).
Genome position (GRCh38, 1-based): chr6:7,581,300, G>A. VCF-style: chr6-7581300-G-A. GRCh37 (hg19) VCF-style: chr6-7581533-G-A.
Other names: c.4050+1060G>A (NM_001319034.2); c.3583-1342G>A (NM_001008844.3); short protein forms E1704K.
Identifiers: ClinVar variation 1042002 (VCV001042002.11), dbSNP rs1312263432, ClinGen allele CA362687875.

ClinVar aggregate classification (germline): Uncertain significance (1 of 4 stars; one submission).

Conditions:
Arrhythmogenic right ventricular dysplasia 8 (ARVD8). Also called: ARRHYTHMOGENIC RIGHT VENTRICULAR DYSPLASIA, FAMILIAL, 8; ARRHYTHMOGENIC RIGHT VENTRICULAR CARDIOMYOPATHY 8; Arrhythmogenic Right Ventricular Dysplasia/Cardiomyopathy 8. Identifiers: MedGen C1843896, MONDO:0011831, OMIM 607450.
Arrhythmogenic cardiomyopathy with wooly hair and keratoderma. Also called: Dilated cardiomyopathy with woolly hair and keratoderma; Carvajal syndrome; PALMOPLANTAR KERATODERMA WITH LEFT VENTRICULAR CARDIOMYOPATHY AND WOOLLY HAIR; Arrhythmogenic cardiomyopathy with woolly hair and keratoderma. Identifiers: Orphanet 65282, MedGen C1854063, MONDO:0011581, OMIM 605676.

Allele frequency attached by ClinVar (database versions not stated): gnomAD exomes below 0.00001.
gnomAD v4.1: 1 of 1,614,176 alleles (0.000062%); highest among the groups gnomAD compares: Non-Finnish European, 0.000085%; no homozygotes.

Submission:

Labcorp Genetics (formerly Invitae), Labcorp
Classification: Uncertain significance for Arrhythmogenic cardiomyopathy with wooly hair and keratoderma; Arrhythmogenic right ventricular dysplasia 8. Last evaluated: 2023-11-27. Review status: criteria provided, single submitter. Criteria: Invitae Variant Classification Sherloc (09022015). Collection method: clinical testing. Allele origin: germline.
Comment: This sequence change replaces glutamic acid, which is acidic and polar, with lysine, which is basic and polar, at codon 1704 of the DSP protein (p.Glu1704Lys). This variant is present in population databases (no rsID available, gnomAD 0.0009%). This variant has not been reported in the literature in individuals affected with DSP-related conditions. ClinVar contains an entry for this variant (Variation ID: 1042002). An algorithm developed to predict the effect of missense changes on protein structure and function (PolyPhen-2) suggests that this variant is likely to be disruptive. In summary, the available evidence is currently insufficient to determine the role of this variant in disease. Therefore, it has been classified as a Variant of Uncertain Significance.